The following is an entry in ClinVar:

ClinVar aggregate classification (germline): Uncertain significance. Review status: criteria provided, multiple submitters, no conflicts (2 of 4 stars). 2 submissions from 2 submitters: Uncertain significance (2). Last evaluated 2025-11-23.

Conditions:
Brugada syndrome. Also called: Sudden Unexplained Death Syndrome; Sudden Unexplained Nocturnal Death Syndrome (SUNDS); Sudden unexplained nocturnal death syndrome; Sudden unexpected nocturnal death syndrome. Identifiers: Orphanet 130, MedGen C1142166, MONDO:0015263.
Cardiovascular phenotype. Identifiers: MedGen CN230736.

Allele frequency attached by ClinVar (database versions not stated): gnomAD exomes below 0.00001; ExAC 0.00001; TOPMed 0.00001; ESP Exome Variant Server 0.00008.
gnomAD v4.1: 1 of 1,614,180 alleles (0.000062%); highest among the groups gnomAD compares: African/African-American, 0.0013%; no homozygotes.

Submissions (2):

Labcorp Genetics (formerly Invitae), Labcorp
Classification: Uncertain significance for Brugada syndrome. Last evaluated: 2025-11-23. Review status: criteria provided, single submitter. Criteria: Invitae Variant Classification Sherloc (09022015). Collection method: clinical testing. Allele origin: germline.
Comment: This sequence change replaces leucine, which is neutral and non-polar, with phenylalanine, which is neutral and non-polar, at codon 1320 of the SCN10A protein (p.Leu1320Phe). This variant is present in population databases (rs373466551, gnomAD 0.007%). This variant has not been reported in the literature in individuals affected with SCN10A-related conditions. ClinVar contains an entry for this variant (Variation ID: 1370408). Invitae Evidence Modeling of protein sequence and biophysical properties (such as structural, functional, and spatial information, amino acid conservation, physicochemical variation, residue mobility, and thermodynamic stability) indicates that this missense variant is not expected to disrupt SCN10A protein function with a negative predictive value of 80%. In summary, the available evidence is currently insufficient to determine the role of this variant in disease. Therefore, it has been classified as a Variant of Uncertain Significance.

Ambry Genetics
Classification: Uncertain significance for Cardiovascular phenotype. Last evaluated: 2021-02-22. Review status: criteria provided, single submitter. Criteria: Ambry Variant Classification Scheme 2023. Collection method: clinical testing. Allele origin: germline.
Comment: The p.L1320F variant (also known as c.3958C>T), located in coding exon 22 of the SCN10A gene, results from a C to T substitution at nucleotide position 3958. The leucine at codon 1320 is replaced by phenylalanine, an amino acid with highly similar properties. This amino acid position is poorly conserved in available vertebrate species. In addition, this alteration is predicted to be tolerated by in silico analysis. Since supporting evidence is limited at this time, the clinical significance of this alteration remains unclear.

NM_006514.4(SCN10A):c.3958C>T (p.Leu1320Phe)

Gene: SCN10A (sodium voltage-gated channel alpha subunit 10; minus strand). Cytogenetic location: 3p22.2.
Variant type: single nucleotide variant.
Coding change: c.3958C>T on transcript NM_006514.4 (MANE Select); coding-DNA position 3958, C replaced by T.
Protein change: p.Leu1320Phe; replaces leucine 1320 with phenylalanine.
Molecular consequence: missense variant.
Genome position (GRCh38, 1-based): chr3:38,712,292, G>A on the plus strand (C>T on the coding strand, the complement: SCN10A is on the minus strand). VCF-style: chr3-38712292-G-A. GRCh37 (hg19) VCF-style: chr3-38753783-G-A.
Other names: c.3955C>T, p.Leu1319Phe (NM_001293306.2); c.3664C>T, p.Leu1222Phe (NM_001293307.2); short protein forms L1320F, L1222F, L1319F.
Identifiers: ClinVar variation 1370408 (VCV001370408.9), dbSNP rs373466551, ClinGen allele CA2320063.
Genomic context (GRCh38, chr3:38,712,292, plus strand): 5'-TGCCAGTGGAGTTTTGAATCTTGCAGTCAGACTTGTTATTCACAATCGACAAAGGTACAA[G>A]GGAAAACTCTCCATCGGTATAGTTGATGCACCTCCAAAACTTCCCTGCGAAGAGGTTCAC-3'
Protein context (NP_006505.4, residues 1310-1330): CINYTDGEFS[Leu1320Phe]VPLSIVNNKS